The following is an entry in ClinVar:

NM_002528.7(NTHL1):c.533T>C (p.Val178Ala)

Gene: NTHL1 (nth like DNA glycosylase 1; minus strand). Cytogenetic location: 16p13.3.
Variant type: single nucleotide variant.
Coding change: c.533T>C on transcript NM_002528.7 (MANE Select); coding-DNA position 533, T replaced by C.
Protein change: p.Val178Ala; replaces valine 178 with alanine.
Molecular consequence: missense variant.
Genome position (GRCh38, 1-based): chr16:2,043,719, A>G on the plus strand (T>C on the coding strand, the complement: NTHL1 is on the minus strand). VCF-style: chr16-2043719-A-G. GRCh37 (hg19) VCF-style: chr16-2093720-A-G.
Other names: c.362T>C, p.Val121Ala (NM_001318193.2); c.203T>C, p.Val68Ala (NM_001318194.2); short protein forms V121A, V178A, V68A.
Identifiers: ClinVar variation 1508891 (VCV001508891.6), dbSNP rs2084301301, ClinGen allele CA394292554.

ClinVar aggregate classification (germline): Uncertain significance (1 of 4 stars; one submission).

Submission:

Labcorp Genetics (formerly Invitae), Labcorp
Classification: Uncertain significance. Last evaluated: 2021-05-17. Review status: criteria provided, single submitter. Criteria: Invitae Variant Classification Sherloc (09022015). Collection method: clinical testing. Allele origin: germline.
Comment: In summary, the available evidence is currently insufficient to determine the role of this variant in disease. Therefore, it has been classified as a Variant of Uncertain Significance. Algorithms developed to predict the effect of missense changes on protein structure and function are either unavailable or do not agree on the potential impact of this missense change (SIFT: "Not Available"; PolyPhen-2: "Benign"; Align-GVGD: "Not Available"). This variant has not been reported in the literature in individuals with NTHL1-related conditions. This variant is not present in population databases (ExAC no frequency). This sequence change replaces valine with alanine at codon 186 of the NTHL1 protein (p.Val186Ala). The valine residue is moderately conserved and there is a small physicochemical difference between valine and alanine.